The following is an entry in ClinVar:

NM_017654.4(SAMD9):c.1831C>T (p.Leu611Phe)

Gene: SAMD9 (sterile alpha motif domain containing 9; minus strand). Cytogenetic location: 7q21.2.
Variant type: single nucleotide variant.
Coding change: c.1831C>T on transcript NM_017654.4 (MANE Select); coding-DNA position 1831, C replaced by T.
Protein change: p.Leu611Phe; replaces leucine 611 with phenylalanine.
Molecular consequence: missense variant.
Genome position (GRCh38, 1-based): chr7:93,104,267, G>A on the plus strand (C>T on the coding strand, the complement: SAMD9 is on the minus strand). VCF-style: chr7-93104267-G-A. GRCh37 (hg19) VCF-style: chr7-92733580-G-A.
Other names: c.1831C>T, p.Leu611Phe (NM_001193307.2); c.1831C>T (NM_017654.3); short protein forms L611F.
Identifiers: ClinVar variation 1985320 (VCV001985320.7), dbSNP rs1170802631, ClinGen allele CA368194476.
Genomic context (GRCh38, chr7:93,104,267, plus strand): 5'-GCCTTTTTGAAGATTGAGTCACAGATTTTAGTTTAAGAATAGTGCCATTGATCTCTTCAA[G>A]GCTTAAAGCAGAAATACATTGGCTTGAAATTTCATCTTGGTGTTTTATTAATCTTGCTTC-3'
Protein context (NP_060124.2, residues 601-621): ISSQCISALS[Leu611Phe]EEINGTILKL

ClinVar aggregate classification (germline): Uncertain significance. Review status: criteria provided, multiple submitters, no conflicts (2 of 4 stars). 3 submissions from 3 submitters: Uncertain significance (2). 1 of the submissions does not count toward it. Last evaluated 2026-01-27.

Conditions:
SAMD9-related disorder. Also called: SAMD9-related condition.
Inborn genetic diseases. Identifiers: MedGen C0950123, MeSH D030342.

Allele frequency attached by ClinVar (database versions not stated): gnomAD exomes below 0.00001; gnomAD 0.00002; TOPMed 0.00004.
gnomAD v4.1: 5 of 1,613,368 alleles (0.00031%); highest among the groups gnomAD compares: Admixed American, 0.005%; no homozygotes.

Submissions (3):

Labcorp Genetics (formerly Invitae), Labcorp
Classification: Uncertain significance. Last evaluated: 2026-01-27. Review status: criteria provided, single submitter. Criteria: Invitae Variant Classification Sherloc (09022015). Collection method: clinical testing. Allele origin: germline.
Comment: This sequence change replaces leucine, which is neutral and non-polar, with phenylalanine, which is neutral and non-polar, at codon 611 of the SAMD9 protein (p.Leu611Phe). This variant is present in population databases (no rsID available, gnomAD 0.006%). This variant has not been reported in the literature in individuals affected with SAMD9-related conditions. ClinVar contains an entry for this variant (Variation ID: 1985320). Invitae Evidence Modeling of protein sequence and biophysical properties (such as structural, functional, and spatial information, amino acid conservation, physicochemical variation, residue mobility, and thermodynamic stability) indicates that this missense variant is not expected to disrupt SAMD9 protein function with a negative predictive value of 95%. In summary, the available evidence is currently insufficient to determine the role of this variant in disease. Therefore, it has been classified as a Variant of Uncertain Significance.

Ambry Genetics
Classification: Uncertain significance for Inborn genetic diseases. Last evaluated: 2025-04-24. Review status: criteria provided, single submitter. Criteria: Ambry Variant Classification Scheme 2023. Collection method: clinical testing. Allele origin: germline.

PreventionGenetics, part of Exact Sciences
Classification: Uncertain significance for SAMD9-related condition. Last evaluated: 2024-07-30. Review status: no assertion criteria provided. Collection method: clinical testing. Allele origin: germline. Not counted in ClinVar's aggregate classification.
Comment: The SAMD9 c.1831C>T variant is predicted to result in the amino acid substitution p.Leu611Phe. To our knowledge, this variant has not been reported in the literature. This variant is reported in 0.0058% of alleles in individuals of Latino descent in gnomAD. At this time, the clinical significance of this variant is uncertain due to the absence of conclusive functional and genetic evidence.